The following is an entry in ClinVar:

ClinVar aggregate classification (germline): Conflicting classifications of pathogenicity. Review status: criteria provided, conflicting classifications (1 of 4 stars). 2 submissions from 2 submitters: Pathogenic (1); Uncertain significance (1). Last evaluated 2025-12-15.

Conditions:
Sessile serrated polyposis cancer syndrome (SSPCS). Identifiers: Orphanet 157798, MedGen C4310714, MONDO:0014919, OMIM 617108.

Submissions (2):

Myriad Genetics, Inc.
Classification: Pathogenic for Sessile serrated polyposis cancer syndrome. Last evaluated: 2025-12-15. Review status: criteria provided, single submitter. Criteria: Myriad Autosomal Dominant, Autosomal Recessive and X-Linked Classification Criteria (2023). Collection method: clinical testing. Allele origin: unknown.
Comment: This variant is considered pathogenic. This variant creates a termination codon and is predicted to result in premature protein truncation.

Labcorp Genetics (formerly Invitae), Labcorp
Classification: Uncertain significance. Last evaluated: 2020-07-31. Review status: criteria provided, single submitter. Criteria: Invitae Variant Classification Sherloc (09022015). Collection method: clinical testing. Allele origin: germline.
Comment: This variant has not been reported in the literature in individuals with RNF43-related conditions. The current clinical and genetic evidence is not sufficient to establish whether loss-of-function variants in RNF43 cause disease. In summary, the available evidence is currently insufficient to determine the role of this variant in disease. Therefore, it has been classified as a Variant of Uncertain Significance. This variant is not present in population databases (ExAC no frequency). This sequence change creates a premature translational stop signal (p.Trp200*) in the RNF43 gene. It is expected to result in an absent or disrupted protein product.

NM_017763.6(RNF43):c.599G>A (p.Trp200Ter)

Gene: RNF43 (ring finger protein 43; minus strand). Cytogenetic location: 17q22.
Variant type: single nucleotide variant.
Coding change: c.599G>A on transcript NM_017763.6 (MANE Select); coding-DNA position 599, G replaced by A.
Protein change: p.Trp200Ter; replaces tryptophan 200 with a stop codon.
Molecular consequence: nonsense.
Genome position (GRCh38, 1-based): chr17:58,362,632, C>T on the plus strand (G>A on the coding strand, the complement: RNF43 is on the minus strand). VCF-style: chr17-58362632-C-T. GRCh37 (hg19) VCF-style: chr17-56439993-C-T.
Other names: c.599G>A, p.Trp200Ter (NM_001305544.3); c.218G>A, p.Trp73Ter (NM_001305545.2); short protein forms W200*, W73*.
Identifiers: ClinVar variation 1005199 (VCV001005199.7), dbSNP rs1972861647, ClinGen allele CA400337079.
Genomic context (GRCh38, chr17:58,362,632, plus strand): 5'-ATGCGCAGCACCGAAGCCAGGATGATCACAAAGATGGTGCCCACCACTGTCATTAGGATC[C>T]ACACATCATAATCTGGCTGGGGAGTGAGCAGAGAGGGAAAGGGTCATACTTCCGGGATGA-3'